The following is an entry in ClinVar:

ClinVar aggregate classification (germline): Likely benign (1 of 4 stars; one submission).

gnomAD v4.1: 29 of 1,613,840 alleles (0.0018%); highest among the groups gnomAD compares: East Asian, 0.0089%; no homozygotes.

Submission:

CeGaT Center for Human Genetics Tuebingen
Classification: Likely benign. Last evaluated: 2025-12-01. Review status: criteria provided, single submitter. Criteria: CeGaT Center For Human Genetics Tuebingen Variant Classification Criteria Version 2. Collection method: clinical testing. Allele origin: germline. Affected: yes. Observed: 1 variant allele.
Comment: FNTB: BP4, BP7

NM_002028.4(FNTB):c.627C>T (p.Ser209=)

Genes: CHURC1-FNTB (CHURC1-FNTB readthrough; plus strand), FNTB (farnesyltransferase, CAAX box, subunit beta; plus strand), MAX (MYC associated transcriptional regulator X; minus strand). Cytogenetic location: 14q23.3.
Variant type: single nucleotide variant.
Coding change: c.627C>T on transcript NM_002028.4 (MANE Select); coding-DNA position 627, C replaced by T.
Protein change: p.Ser209=; no amino-acid change (serine 209 retained).
Molecular consequence: synonymous variant. On other transcripts: intron variant (2).
Genome position (GRCh38, 1-based): chr14:65,032,631, C>T. VCF-style: chr14-65032631-C-T. GRCh37 (hg19) VCF-style: chr14-65499349-C-T.
Other names: c.489C>T, p.Ser163= (NM_001202558.2); c.810C>T, p.Ser270= (NM_001202559.1); c.145-26347G>A (NM_001271069.2); c.172-26347G>A (NM_197957.4).
Identifiers: ClinVar variation 4681565 (VCV004681565.5).